The following is an entry in ClinVar:

ClinVar aggregate classification (germline): Uncertain significance. Review status: criteria provided, multiple submitters, no conflicts (2 of 4 stars). 2 submissions from 2 submitters: Uncertain significance (2). Last evaluated 2026-07-06.

Conditions:
Inborn genetic diseases. Identifiers: MedGen C0950123, MeSH D030342.
Acute myeloid leukemia (AML). Also called: Leukemia, acute myeloid, somatic; Leukemia, acute myelogenous, somatic; Acute myeloid leukemia, adult; AML adult; Acute non-lymphocytic leukemia; Acute granulocytic leukemia. Identifiers: Orphanet 519, MedGen C0023467, MeSH D015470, MONDO:0018874, OMIM 601626, HP:0004808. Disease mechanism: Constitutively activated FLT3.

Submissions (2):

Ambry Genetics
Classification: Uncertain significance for Inborn genetic diseases. Last evaluated: 2026-07-06. Review status: criteria provided, single submitter. Criteria: Ambry Variant Classification Scheme 2023. Collection method: clinical testing. Allele origin: germline.
Comment: The p.A238E variant (also known as c.713C>A), located in coding exon 1 of the CEBPA gene, results from a C to A substitution at nucleotide position 713. The alanine at codon 238 is replaced by glutamic acid, an amino acid with dissimilar properties. This amino acid position is conserved. In addition, this alteration is predicted to be tolerated by in silico analysis. Based on the available evidence, the clinical significance of this variant remains unclear.

Labcorp Genetics (formerly Invitae), Labcorp
Classification: Uncertain significance for Acute myeloid leukemia. Last evaluated: 2021-04-28. Review status: criteria provided, single submitter. Criteria: Invitae Variant Classification Sherloc (09022015). Collection method: clinical testing. Allele origin: germline.
Comment: In summary, the available evidence is currently insufficient to determine the role of this variant in disease. Therefore, it has been classified as a Variant of Uncertain Significance. Algorithms developed to predict the effect of missense changes on protein structure and function (SIFT, PolyPhen-2, Align-GVGD) all suggest that this variant is likely to be tolerated, but these predictions have not been confirmed by published functional studies and their clinical significance is uncertain. This variant has not been reported in the literature in individuals with CEBPA-related conditions. ClinVar contains an entry for this variant (Variation ID: 21403). The frequency data for this variant in the population databases is considered unreliable, as metrics indicate insufficient coverage at this position in the ExAC database. This sequence change replaces alanine with glutamic acid at codon 238 of the CEBPA protein (p.Ala238Glu). The alanine residue is moderately conserved and there is a moderate physicochemical difference between alanine and glutamic acid.

NM_004364.5(CEBPA):c.713C>A (p.Ala238Glu)

Gene: CEBPA (CCAAT enhancer binding protein alpha; minus strand). Cytogenetic location: 19q13.11.
Variant type: single nucleotide variant.
Coding change: c.713C>A on transcript NM_004364.5 (MANE Select); coding-DNA position 713, C replaced by A.
Protein change: p.Ala238Glu; replaces alanine 238 with glutamic acid.
Molecular consequence: missense variant.
Genome position (GRCh38, 1-based): chr19:33,301,702, G>T on the plus strand (C>A on the coding strand, the complement: CEBPA is on the minus strand). VCF-style: chr19-33301702-G-T. GRCh37 (hg19) VCF-style: chr19-33792608-G-T.
Other names: c.356C>A, p.Ala119Glu (NM_001285829.2); c.818C>A, p.Ala273Glu (NM_001287424.2); c.671C>A, p.Ala224Glu (NM_001287435.2); short protein forms A238E, A224E, A273E, A119E.
Identifiers: ClinVar variation 1391613 (VCV001391613.9), dbSNP rs3745972, ClinGen allele CA342029.